The following is an entry in ClinVar:

NM_017882.3(CLN6):c.585C>T (p.Gly195=)

Gene: CLN6 (CLN6 transmembrane ER protein; minus strand). Cytogenetic location: 15q23.
Variant type: single nucleotide variant.
Coding change: c.585C>T on transcript NM_017882.3 (MANE Select); coding-DNA position 585, C replaced by T.
Protein change: p.Gly195=; no amino-acid change (glycine 195 retained).
Molecular consequence: synonymous variant.
Genome position (GRCh38, 1-based): chr15:68,209,717, G>A on the plus strand (C>T on the coding strand, the complement: CLN6 is on the minus strand). VCF-style: chr15-68209717-G-A. GRCh37 (hg19) VCF-style: chr15-68502055-G-A.
Other names: p.G195G:GGC>GGT.
Identifiers: ClinVar variation 136799 (VCV000136799.19), dbSNP rs144507672, ClinGen allele CA290146.

ClinVar aggregate classification (germline): Conflicting classifications of pathogenicity. Review status: criteria provided, conflicting classifications (1 of 4 stars). 5 submissions from 5 submitters: Uncertain significance (1); Benign (1); Likely benign (3). Last evaluated 2026-01-20.

Conditions:
Inborn genetic diseases. Identifiers: MedGen C0950123, MeSH D030342.
Neuronal ceroid lipofuscinosis. Also called: Neuronal Ceroid Lipofuscinoses. Identifiers: Orphanet 216, Orphanet 79263, MedGen C0027877, MONDO:0016295. Disease mechanism: loss of function.

Allele frequency attached by ClinVar (database versions not stated): gnomAD 0.00011; gnomAD exomes 0.00011 and 0.00026; TOPMed 0.00014; ESP Exome Variant Server 0.00023; ExAC 0.00024.
gnomAD v4.1: 197 of 1,613,758 alleles (0.012%); highest among the groups gnomAD compares: Admixed American, 0.005%; no homozygotes.

Submissions (5):

Labcorp Genetics (formerly Invitae), Labcorp
Classification: Likely benign for Neuronal ceroid lipofuscinosis. Last evaluated: 2026-01-20. Review status: criteria provided, single submitter. Criteria: Invitae Variant Classification Sherloc (09022015). Collection method: clinical testing. Allele origin: germline.

Blueprint Genetics
Classification: Likely benign. Last evaluated: 2024-11-27. Review status: criteria provided, single submitter. Criteria: ACMG Guidelines, 2015. Collection method: clinical testing. Allele origin: germline.

Ambry Genetics
Classification: Likely benign for Inborn genetic diseases. Last evaluated: 2018-04-12. Review status: criteria provided, single submitter. Criteria: Ambry Variant Classification Scheme 2023. Collection method: clinical testing. Allele origin: germline.

Illumina Laboratory Services, Illumina
Classification: Uncertain significance for Neuronal ceroid lipofuscinosis. Last evaluated: 2018-01-13. Review status: criteria provided, single submitter. Criteria: ICSL Variant Classification Criteria 13 December 2019. Collection method: clinical testing. Allele origin: germline.

GeneDx
Classification: Benign. Last evaluated: 2014-03-11. Review status: criteria provided, single submitter. Criteria: GeneDx Variant Classification (06012015). Collection method: clinical testing. Allele origin: germline. Affected: yes.
Comment: This variant is considered likely benign or benign based on one or more of the following criteria: it is a conservative change, it occurs at a poorly conserved position in the protein, it is predicted to be benign by multiple in silico algorithms, and/or has population frequency not consistent with disease.